The following is an entry in ClinVar:

ClinVar aggregate classification (germline): Uncertain significance. Review status: criteria provided, multiple submitters, no conflicts (2 of 4 stars). 8 submissions from 8 submitters: Uncertain significance (7). 1 of the submissions does not count toward it. Last evaluated 2026-01-12.

Conditions:
PALB2-related disorder. Also called: PALB2-related condition; PALB2-related disorders.
Familial cancer of breast. Also called: hereditary breast carcinoma; Hereditary breast cancer; BREAST CANCER, FAMILIAL. Identifiers: Orphanet 227535, MedGen C0346153, MONDO:0016419, OMIM 114480. Disease mechanism: loss of function.
PALB2-related cancer predisposition. Identifiers: MedGen CN377761, MONDO:0700272.
Hereditary cancer-predisposing syndrome. Also called: Hereditary Cancer Syndrome; Tumor predisposition; Hereditary neoplastic syndrome; Neoplastic Syndromes, Hereditary. Identifiers: Orphanet 140162, MedGen C0027672, MeSH D009386, MONDO:0015356.

Allele frequency attached by ClinVar (database versions not stated): TOPMed below 0.00001; gnomAD 0.00001; gnomAD exomes 0.00002.
gnomAD v4.1: 29 of 1,613,924 alleles (0.0018%); highest among the groups gnomAD compares: Non-Finnish European, 0.0024%; no homozygotes.

Submissions (8):

Labcorp Genetics (formerly Invitae), Labcorp
Classification: Uncertain significance for Familial cancer of breast. Last evaluated: 2026-01-12. Review status: criteria provided, single submitter. Criteria: Invitae Variant Classification Sherloc (09022015). Collection method: clinical testing. Allele origin: germline.
Comment: This sequence change replaces glycine, which is neutral and non-polar, with serine, which is neutral and polar, at codon 1104 of the PALB2 protein (p.Gly1104Ser). This variant is present in population databases (no rsID available, gnomAD 0.0009%). This missense change has been observed in individual(s) with breast cancer (PMID: 28779002). ClinVar contains an entry for this variant (Variation ID: 220948). An algorithm developed to predict the effect of missense changes on protein structure and function (PolyPhen-2) suggests that this variant is likely to be tolerated. RNA analysis performed to evaluate the impact of this missense change on mRNA splicing indicates it does not significantly alter splicing (internal data). In summary, the available evidence is currently insufficient to determine the role of this variant in disease. Therefore, it has been classified as a Variant of Uncertain Significance.

PreventionGenetics, part of Exact Sciences
Classification: Uncertain significance for PALB2-related condition. Last evaluated: 2025-03-24. Review status: criteria provided, single submitter. Criteria: ACMG Guidelines, 2015. Collection method: clinical testing. Allele origin: germline.
Comment: The PALB2 c.3310G>A variant is predicted to result in the amino acid substitution p.Gly1104Ser. This variant has been reported in an individual with breast cancer (Table S5, Decker et al. 2017. PubMed ID: 28779002). This variant is reported in 0.00088% of alleles in individuals of European (Non-Finnish) descent in gnomAD and is interpreted as uncertain in ClinVar. At this time, the clinical significance of this variant is uncertain due to the absence of conclusive functional and genetic evidence.

Hema, HEMA – Genetic and Molecular Diagnostic Laboratory
Classification: Uncertain significance for PALB2-related cancer predisposition. Last evaluated: 2024-12-02. Review status: criteria provided, single submitter. Criteria: HEMA Variant Classification Assertion Criteria. Collection method: clinical testing. Allele origin: germline.
Comment: It is a transition from cytosine to thymine, resulting in the substitution of glycine 1104 with serine. BP1: Missense variant in a gene in which pathogenic variants are primarily truncations.

Ambry Genetics
Classification: Uncertain significance for Hereditary cancer-predisposing syndrome. Last evaluated: 2024-01-07. Review status: criteria provided, single submitter. Criteria: Ambry Variant Classification Scheme 2023. Collection method: clinical testing. Allele origin: germline.
Comment: The p.G1104S variant (also known as c.3310G>A), located in coding exon 12 of the PALB2 gene, results from a G to A substitution at nucleotide position 3310. The glycine at codon 1104 is replaced by serine, an amino acid with similar properties. This alteration was reported in 1/13087 breast cancer cases and not in 5488 control individuals in the UK (Decker B et al. J Med Genet 2017 11;54(11):732-741). This amino acid position is not well conserved in available vertebrate species. In addition, this alteration is predicted to be tolerated by in silico analysis. Since supporting evidence is limited at this time, the clinical significance of this alteration remains unclear.

Color Diagnostics, LLC DBA Color Health
Classification: Uncertain significance for Hereditary cancer-predisposing syndrome. Last evaluated: 2023-12-13. Review status: criteria provided, single submitter. Criteria: ACMG Guidelines, 2015. Collection method: clinical testing. Allele origin: germline.
Comment: This missense variant replaces glycine with serine at codon 1104 of the PALB2 protein. Computational prediction suggests that this variant may not impact protein structure and function (internally defined REVEL score threshold <= 0.5, PMID: 27666373). To our knowledge, functional studies have not been reported for this variant. This variant has been detected in a breast cancer case-control meta-analysis in 1/60466 cases and 0/53461 unaffected individuals (PMID: 33471991; Leiden Open Variation Database DB-ID PALB2_010758) and in 1 individual age 70 years or older without cancer in the FLOSSIES database. This variant has been identified in 1/251476 chromosomes in the general population by the Genome Aggregation Database (gnomAD). The available evidence is insufficient to determine the role of this variant in disease conclusively. Therefore, this variant is classified as a Variant of Uncertain Significance.

Myriad Genetics, Inc.
Classification: Uncertain significance for Familial cancer of breast. Last evaluated: 2023-03-30. Review status: criteria provided, single submitter. Criteria: Myriad Autosomal Dominant, Autosomal Recessive and X-Linked Classification Criteria (2023). Collection method: clinical testing. Allele origin: unknown.
Comment: This variant is classified as a variant of uncertain significance as there is insufficient evidence to determine its impact on protein function and/or cancer risk.

GeneDx
Classification: Uncertain significance. Last evaluated: 2018-08-23. Review status: criteria provided, single submitter. Criteria: GeneDx Variant Classification (06012015). Collection method: clinical testing. Allele origin: germline. Affected: yes.
Comment: This variant is denoted PALB2 c.3310G>A at the cDNA level, p.Gly1104Ser (G1104S) at the protein level, and results in the change of a Glycine to a Serine (GGT>AGT). In a breast cancer case-control study by Decker et. al. (2017), this variant was reported in 1/13,087 cases, but was absent among 5,488 controls. PALB2 Gly1104Ser was not observed at a significant allele frequency in large population cohorts (Lek 2016). PALB2 Gly1104Ser is located in the 5th WD repeat, the region required for interaction with POLH and POLH DNA synthesis stimulation, as well as the regions of interaction with RAD51 and BRCA2 (UniProt, Oliver 2009, Buisson 2010, Buisson 2014). Protein-based in silico analysis, including protein predictors and evolutionary conservation, support a deleterious effect. In addition, multiple splicing models predict that this variant may create a novel cryptic splice donor site and lead to abnormal splicing. However, in the absence of RNA or functional studies, the actual effect of this variant is unknown. Based on currently available evidence, it is unclear whether PALB2 Gly1104Ser is a pathogenic or benign variant. We consider it to be a variant of uncertain significance.

Counsyl
Classification: Uncertain significance for Familial cancer of breast. Last evaluated: 2017-12-11. Review status: no assertion criteria provided. Collection method: clinical testing. Allele origin: unknown. Not counted in ClinVar's aggregate classification.

Literature cited by the submitters: PubMed 28779002 (cited by Labcorp Genetics (formerly Invitae), Labcorp); PubMed 33471991 (cited by Color Diagnostics, LLC DBA Color Health).

NM_024675.4(PALB2):c.3310G>A (p.Gly1104Ser)

Gene: PALB2 (partner and localizer of BRCA2; minus strand). Cytogenetic location: 16p12.2.
Variant type: single nucleotide variant.
Coding change: c.3310G>A on transcript NM_024675.4 (MANE Select); coding-DNA position 3310, G replaced by A.
Protein change: p.Gly1104Ser; replaces glycine 1104 with serine.
Molecular consequence: missense variant.
Genome position (GRCh38, 1-based): chr16:23,607,904, C>T on the plus strand (G>A on the coding strand, the complement: PALB2 is on the minus strand). VCF-style: chr16-23607904-C-T. GRCh37 (hg19) VCF-style: chr16-23619225-C-T.
Other names: short protein forms G1104S.
Identifiers: ClinVar variation 220948 (VCV000220948.26), dbSNP rs188254555, ClinGen allele CA349911.